The following is an entry in ClinVar:

ClinVar aggregate classification (germline): Uncertain significance (1 of 4 stars; one submission).

Conditions:
Cardiovascular phenotype. Identifiers: MedGen CN230736.

Allele frequency attached by ClinVar (database versions not stated): ExAC 0.00001; gnomAD 0.00001; gnomAD exomes 0.00001; TOPMed 0.00003; 1000 Genomes Project 0.00020.
gnomAD v4.1: 14 of 1,614,184 alleles (0.00087%); highest among the groups gnomAD compares: East Asian, 0.031%; no homozygotes.

Submission:

Ambry Genetics
Classification: Uncertain significance for Cardiovascular phenotype. Last evaluated: 2020-09-02. Review status: criteria provided, single submitter. Criteria: Ambry Variant Classification Scheme 2023. Collection method: clinical testing. Allele origin: germline.
Comment: The p.C2880R variant (also known as c.8638T>C), located in coding exon 10 of the ALMS1 gene, results from a T to C substitution at nucleotide position 8638. The cysteine at codon 2880 is replaced by arginine, an amino acid with highly dissimilar properties. This variant has been detected in a microtia cohort (Wang P et al. Oncotarget. 2017 Sep;8(38):63324-63332). This amino acid position is poorly conserved in available vertebrate species. In addition, this alteration is predicted to be tolerated by in silico analysis. Since supporting evidence is limited at this time, the clinical significance of this alteration remains unclear.

Literature cited by the submitters: PubMed 28968992.

NM_001378454.1(ALMS1):c.8635T>C (p.Cys2879Arg)

Gene: ALMS1 (ALMS1 centrosome and basal body associated protein; plus strand). Cytogenetic location: 2p13.1.
Variant type: single nucleotide variant.
Coding change: c.8635T>C on transcript NM_001378454.1 (MANE Select); coding-DNA position 8635, T replaced by C.
Protein change: p.Cys2879Arg; replaces cysteine 2879 with arginine.
Molecular consequence: missense variant.
Genome position (GRCh38, 1-based): chr2:73,490,594, T>C. VCF-style: chr2-73490594-T-C. GRCh37 (hg19) VCF-style: chr2-73717721-T-C.
Other names: c.8638T>C, p.Cys2880Arg (NM_015120.4); short protein forms C2879R, C2880R.
Identifiers: ClinVar variation 1764121 (VCV001764121.2), dbSNP rs565360354, ClinGen allele CA1714506.